The following is an entry in ClinVar:

NM_000540.3(RYR1):c.7615G>T (p.Ala2539Ser)

Gene: RYR1 (ryanodine receptor 1; plus strand). Cytogenetic location: 19q13.2.
Variant type: single nucleotide variant.
Coding change: c.7615G>T on transcript NM_000540.3 (MANE Select); coding-DNA position 7615, G replaced by T.
Protein change: p.Ala2539Ser; replaces alanine 2539 with serine.
Molecular consequence: missense variant.
Genome position (GRCh38, 1-based): chr19:38,502,507, G>T. VCF-style: chr19-38502507-G-T. GRCh37 (hg19) VCF-style: chr19-38993147-G-T.
Other names: c.7615G>T, p.Ala2539Ser (NM_001042723.2); short protein forms A2539S.
Identifiers: ClinVar variation 3071370 (VCV003071370.2), dbSNP rs1219173500, ClinGen allele CA405671289.

ClinVar aggregate classification (germline): Uncertain significance. Review status: criteria provided, multiple submitters, no conflicts (2 of 4 stars). 2 submissions from 2 submitters: Uncertain significance (2). Last evaluated 2023-05-30.

Conditions:
Malignant hyperthermia, susceptibility to, 1 (MHS1). Also called: Anesthesia related hyperthermia; Malignant hyperpyrexia; Fulminating hyperpyrexia; Pharmacogenic myopathy; RYR1-Related Malignant Hyperthermia Susceptibility; Malignant hyperthermia suceptibility 1. Identifiers: Orphanet 423, MedGen C2930980, MONDO:0007783, OMIM 145600.

gnomAD v4.1: 4 of 1,596,314 alleles (0.00025%); highest among the groups gnomAD compares: Middle Eastern, 0.033%; no homozygotes.

Submissions (2):

All of Us Research Program, National Institutes of Health
Classification: Uncertain significance for Malignant hyperthermia, susceptibility to, 1. Last evaluated: 2023-05-30. Review status: criteria provided, single submitter. Criteria: ACMG Guidelines, 2015. Collection method: clinical testing. Allele origin: germline. Inheritance: Autosomal dominant inheritance. Observed: 1 variant allele, 1 heterozygote.
Comment: This missense variant replaces alanine with serine at codon 2539 of the RYR1 protein. Computational prediction suggests that this variant may not impact protein structure and function (internally defined REVEL score threshold <= 0.5, PMID: 27666373). To our knowledge, functional studies have not been reported for this variant. This variant has not been reported in individuals affected with RYR1-related disorders in the literature. This variant has been identified in 1/242604 chromosomes in the general population by the Genome Aggregation Database (gnomAD). The available evidence is insufficient to determine the role of this variant in disease conclusively. Therefore, this variant is classified as a Variant of Uncertain Significance.

This study involves interpretation of variants in research participants for the purpose of population health screening. Participant phenotype was not available at the time of variant classification. Additional details can be found in publication PMID: 35346344, PMCID: PMC8962531

Color Diagnostics, LLC DBA Color Health
Classification: Uncertain significance for Malignant hyperthermia, susceptibility to, 1. Last evaluated: 2023-05-15. Review status: criteria provided, single submitter. Criteria: ACMG Guidelines, 2015. Collection method: clinical testing. Allele origin: germline.
Comment: This missense variant replaces alanine with serine at codon 2539 of the RYR1 protein. Computational prediction suggests that this variant may not impact protein structure and function. To our knowledge, functional studies have not been reported for this variant. This variant has not been reported in individuals affected with RYR1-related disorders in the literature. This variant has been identified in 1/242604 chromosomes in the general population by the Genome Aggregation Database (gnomAD). The available evidence is insufficient to determine the role of this variant in disease conclusively. Therefore, this variant is classified as a Variant of Uncertain Significance.